The following is an entry in ClinVar:

ClinVar aggregate classification (germline): Likely benign. Review status: criteria provided, multiple submitters, no conflicts (2 of 4 stars). 7 submissions from 7 submitters: Likely benign (6). 1 of the submissions does not count toward it. Last evaluated 2026-01-16.

Conditions:
Pheochromocytoma/paraganglioma syndrome 4. Also called: SDHB-Related Hereditary Paraganglioma-Pheochromocytoma Syndrome (Paragangliomas 4); SDHB-Related Hereditary Paraganglioma-Pheochromocytoma Syndrome; CAROTID BODY TUMORS AND MULTIPLE EXTRAADRENAL PHEOCHROMOCYTOMAS; PARAGANGLIOMA, FAMILIAL MALIGNANT; PARAGANGLIOMAS, HEREDITARY EXTRAADRENAL; PHEOCHROMOCYTOMA, FAMILIAL EXTRAADRENAL. Identifiers: Orphanet 29072, MedGen C1861848, MONDO:0007273, OMIM 115310.
Pheochromocytoma. Also called: MAX-Related Hereditary Paraganglioma-Pheochromocytoma Syndrome. Identifiers: Orphanet 29072, MedGen C0031511, MONDO:0008233, OMIM 171300, HP:0002666.
Gastrointestinal stromal tumor. Also called: Gastrointestinal stroma tumor; Gastrointestinal stromal tumor, somatic. Identifiers: Orphanet 44890, MedGen C0238198, MeSH D046152, MONDO:0011719, OMIM 606764, HP:0100723.
Hereditary cancer-predisposing syndrome. Also called: Tumor predisposition; Neoplastic Syndromes, Hereditary; Hereditary Cancer Syndrome; Hereditary neoplastic syndrome. Identifiers: Orphanet 140162, MedGen C0027672, MeSH D009386, MONDO:0015356.

Allele frequency attached by ClinVar (database versions not stated): ExAC 0.00013; TOPMed 0.00015; gnomAD 0.00016 and 0.00017; gnomAD exomes 0.00017; ESP Exome Variant Server 0.00023; 1000 Genomes Project 0.00040; 1000 Genomes Project 30x 0.00062.
gnomAD v4.1: 402 of 1,584,092 alleles (0.025%); highest among the groups gnomAD compares: Non-Finnish European, 0.032%; no homozygotes.

Submissions (7):

Labcorp Genetics (formerly Invitae), Labcorp
Classification: Likely benign for Gastrointestinal stromal tumor; Pheochromocytoma/paraganglioma syndrome 4; Pheochromocytoma. Last evaluated: 2026-01-16. Review status: criteria provided, single submitter. Criteria: Invitae Variant Classification Sherloc (09022015). Collection method: clinical testing. Allele origin: germline.

Center for Genomic Medicine, Rigshospitalet, Copenhagen University Hospital
Classification: Likely benign. Last evaluated: 2025-03-04. Review status: criteria provided, single submitter. Criteria: ACMG Guidelines, 2015. Collection method: clinical testing. Allele origin: germline.

Blueprint Genetics
Classification: Likely benign. Last evaluated: 2024-09-18. Review status: criteria provided, single submitter. Criteria: ACMG Guidelines, 2015. Collection method: clinical testing. Allele origin: germline.

ARUP Laboratories, Molecular Genetics and Genomics, ARUP Laboratories
Classification: Likely benign. Last evaluated: 2024-06-20. Review status: criteria provided, single submitter. Criteria: ARUP Molecular Germline Variant Investigation Process 2024. Collection method: clinical testing. Allele origin: germline.

Ambry Genetics
Classification: Likely benign for Hereditary cancer-predisposing syndrome. Last evaluated: 2023-02-08. Review status: criteria provided, single submitter. Criteria: Ambry Variant Classification Scheme 2023. Collection method: clinical testing. Allele origin: germline.

GeneDx
Classification: Likely benign. Last evaluated: 2020-07-09. Review status: criteria provided, single submitter. Criteria: GeneDx Variant Classification Process June 2021. Collection method: clinical testing. Allele origin: germline. Affected: yes.
Comment: This variant is associated with the following publications: (PMID: 30877234)

Counsyl
Classification: Likely benign for Pheochromocytoma/paraganglioma syndrome 4. Last evaluated: 2016-07-13. Review status: no assertion criteria provided. Collection method: clinical testing. Allele origin: unknown. Not counted in ClinVar's aggregate classification.

NM_003000.3(SDHB):c.642+17T>C

Gene: SDHB (succinate dehydrogenase complex iron sulfur subunit B; minus strand). Cytogenetic location: 1p36.13.
Variant type: single nucleotide variant.
Coding change: c.642+17T>C on transcript NM_003000.3 (MANE Select); 17 bases into the intron after coding-DNA position 642, T replaced by C.
Molecular consequence: intron variant.
Genome position (GRCh38, 1-based): chr1:17,023,956, A>G on the plus strand (T>C on the coding strand, the complement: SDHB is on the minus strand). VCF-style: chr1-17023956-A-G. GRCh37 (hg19) VCF-style: chr1-17350451-A-G.
Identifiers: ClinVar variation 371883 (VCV000371883.31), dbSNP rs200597595, ClinGen allele CA089687.